The following is an entry in ClinVar:

ClinVar aggregate classification (germline): Conflicting classifications of pathogenicity. Review status: criteria provided, conflicting classifications (1 of 4 stars). 2 submissions from 2 submitters: Uncertain significance (1); Likely benign (1). Last evaluated 2025-05-15.

Conditions:
Hereditary breast ovarian cancer syndrome. Also called: Hereditary breast and ovarian cancer syndrome (HBOC); Hereditary breast and ovarian cancer syndrome; Breast and ovarian cancer; Hereditary breast and/or ovarian cancer syndrome; Hereditary breast and ovarian cancer; BRCA1- and BRCA2-Associated Hereditary Breast and Ovarian Cancer. Identifiers: Orphanet 145, MedGen C0677776, MeSH D061325, MONDO:0003582. Disease mechanism: loss of function.
Hereditary cancer-predisposing syndrome. Also called: Neoplastic Syndromes, Hereditary; Hereditary Cancer Syndrome; Hereditary neoplastic syndrome; Tumor predisposition. Identifiers: Orphanet 140162, MedGen C0027672, MeSH D009386, MONDO:0015356.

Submissions (2):

Ambry Genetics
Classification: Likely benign for Hereditary cancer-predisposing syndrome. Last evaluated: 2025-05-15. Review status: criteria provided, single submitter. Criteria: Ambry Variant Classification Scheme 2023. Collection method: clinical testing. Allele origin: germline.

Labcorp Genetics (formerly Invitae), Labcorp
Classification: Uncertain significance for Hereditary breast ovarian cancer syndrome. Last evaluated: 2023-12-19. Review status: criteria provided, single submitter. Criteria: Invitae Variant Classification Sherloc (09022015). Collection method: clinical testing. Allele origin: germline.
Comment: This sequence change replaces glutamine, which is neutral and polar, with arginine, which is basic and polar, at codon 2894 of the BRCA2 protein (p.Gln2894Arg). This variant is not present in population databases (gnomAD no frequency). This variant has not been reported in the literature in individuals affected with BRCA2-related conditions. ClinVar contains an entry for this variant (Variation ID: 462491). Advanced modeling of protein sequence and biophysical properties (such as structural, functional, and spatial information, amino acid conservation, physicochemical variation, residue mobility, and thermodynamic stability) performed at Invitae indicates that this missense variant is not expected to disrupt BRCA2 protein function with a negative predictive value of 95%. In summary, the available evidence is currently insufficient to determine the role of this variant in disease. Therefore, it has been classified as a Variant of Uncertain Significance.

NM_000059.4(BRCA2):c.8681A>G (p.Gln2894Arg)

Gene: BRCA2 (BRCA2 DNA repair associated; plus strand). Cytogenetic location: 13q13.1.
Variant type: single nucleotide variant.
Coding change: c.8681A>G on transcript NM_000059.4 (MANE Select); coding-DNA position 8681, A replaced by G.
Protein change: p.Gln2894Arg; replaces glutamine 2894 with arginine.
Molecular consequence: missense variant.
Genome position (GRCh38, 1-based): chr13:32,376,718, A>G. VCF-style: chr13-32376718-A-G. GRCh37 (hg19) VCF-style: chr13-32950855-A-G.
Other names: short protein forms Q2894R.
Identifiers: ClinVar variation 462491 (VCV000462491.13), dbSNP rs1172224921, ClinGen allele CA387754773.
Genomic context (GRCh38, chr13:32,376,718, plus strand): 5'-TTGTTTTCTTAGAAAACACAACAAAACCATATTTACCATCACGTGCACTAACAAGACAGC[A>G]AGTTCGTGCTTTGCAAGATGGTGCAGAGCTTTATGAAGCAGTGAAGAATGCAGCAGACCC-3'
Protein context (NP_000050.3, residues 2884-2904): YLPSRALTRQ[Gln2894Arg]VRALQDGAEL